The following is an entry in ClinVar:

ClinVar aggregate classification (germline): Uncertain significance (1 of 4 stars; one submission).

Allele frequency attached by ClinVar (database versions not stated): TOPMed 0.00001.

Submission:

GeneDx
Classification: Uncertain significance. Last evaluated: 2022-03-24. Review status: criteria provided, single submitter. Criteria: GeneDx Variant Classification Process June 2021. Collection method: clinical testing. Allele origin: germline. Affected: yes.
Comment: Not observed at significant frequency in large population cohorts (gnomAD); In silico analysis supports that this missense variant has a deleterious effect on protein structure/function; Has not been previously published as pathogenic or benign to our knowledge

NM_001384732.1(CPLANE1):c.4697T>C (p.Leu1566Pro)

Gene: CPLANE1 (ciliogenesis and planar polarity effector complex subunit 1; minus strand). Cytogenetic location: 5p13.2.
Variant type: single nucleotide variant.
Coding change: c.4697T>C on transcript NM_001384732.1 (MANE Select); coding-DNA position 4697, T replaced by C.
Protein change: p.Leu1566Pro; replaces leucine 1566 with proline.
Molecular consequence: missense variant.
Genome position (GRCh38, 1-based): chr5:37,183,484, A>G on the plus strand (T>C on the coding strand, the complement: CPLANE1 is on the minus strand). VCF-style: chr5-37183484-A-G. GRCh37 (hg19) VCF-style: chr5-37183586-A-G.
Other names: c.4697T>C, p.Leu1566Pro (NM_023073.4); short protein forms L1566P.
Identifiers: ClinVar variation 1706907 (VCV001706907.2), dbSNP rs1783207585, ClinGen allele CA359497044.